The following is an entry in ClinVar:

NM_000535.7(PMS2):c.2189A>G (p.Asn730Ser)

Gene: PMS2 (PMS1 homolog 2, mismatch repair system component; minus strand). Cytogenetic location: 7p22.1.
Variant type: single nucleotide variant.
Coding change: c.2189A>G on transcript NM_000535.7 (MANE Select); coding-DNA position 2189, A replaced by G.
Protein change: p.Asn730Ser; replaces asparagine 730 with serine.
Molecular consequence: missense variant. On other transcripts: non-coding transcript variant (1), intron variant (2).
Genome position (GRCh38, 1-based): chr7:5,978,682, T>C on the plus strand (A>G on the coding strand, the complement: PMS2 is on the minus strand). VCF-style: chr7-5978682-T-C. GRCh37 (hg19) VCF-style: chr7-6018313-T-C.
Other names: c.1784A>G, p.Asn595Ser (NM_001018040.1, NM_001322003.2, NM_001322004.2 and 15 more transcripts); c.2033A>G, p.Asn678Ser (NM_001322006.2, NM_001406870.1); c.1871A>G, p.Asn624Ser (NM_001322007.2, NM_001322008.2, NM_001406876.1 and 1 more transcripts); c.1628A>G, p.Asn543Ser (NM_001322010.2, NM_001406906.1, NM_001406907.1); c.1256A>G, p.Asn419Ser (NM_001322011.2, NM_001322012.2); c.1616A>G, p.Asn539Ser (NM_001322013.2, NM_001406908.1, NM_001406909.1); c.2189A>G, p.Asn730Ser (NM_001322014.2); c.1880A>G, p.Asn627Ser (NM_001322015.2, NM_001406875.1, NM_001406877.1 and 5 more transcripts); and 16 more; short protein forms N329S, N419S, N473S, N539S, N543S, N559S, N568S, N572S.
Identifiers: ClinVar variation 3076173 (VCV003076173.2), dbSNP rs2128683843, ClinGen allele CA366736919.
Genomic context (GRCh38, chr7:5,978,682, plus strand): 5'-CCATTCTTTCTAAATATTTCCAGATTTTCTATCAGAACAGCTTCATTAACAGCAGTTAAG[T>C]TGAGAGTCTGAGGTCTGAAAAACACAAAAATGATTCAAACCATATCCTGAAGTCAAACAT-3'
Protein context (NP_000526.2, residues 720-740): GQRLIAPQTL[Asn730Ser]LTAVNEAVLI

ClinVar aggregate classification (germline): Uncertain significance. Review status: criteria provided, multiple submitters, no conflicts (2 of 4 stars). 2 submissions from 2 submitters: Uncertain significance (2). Last evaluated 2025-06-11.

Conditions:
Hereditary cancer-predisposing syndrome. Also called: Neoplastic Syndromes, Hereditary; Tumor predisposition; Hereditary neoplastic syndrome; Hereditary Cancer Syndrome. Identifiers: Orphanet 140162, MedGen C0027672, MeSH D009386, MONDO:0015356.

Submissions (2):

Color Diagnostics, LLC DBA Color Health
Classification: Uncertain significance for Hereditary cancer-predisposing syndrome. Last evaluated: 2025-06-11. Review status: criteria provided, single submitter. Criteria: ACMG Guidelines, 2015. Collection method: clinical testing. Allele origin: germline.
Comment: This missense variant replaces asparagine with serine at codon 730 of the PMS2 protein. Computational prediction suggests that this variant may not impact protein structure and function. To our knowledge, functional studies have not been reported for this variant. This variant has not been reported in individuals affected with PMS2-related disorders in the literature. This variant has not been identified in the general population by the Genome Aggregation Database (gnomAD). The available evidence is insufficient to determine the role of this variant in disease conclusively. Therefore, this variant is classified as a Variant of Uncertain Significance.

Ambry Genetics
Classification: Uncertain significance for Hereditary cancer-predisposing syndrome. Last evaluated: 2017-10-20. Review status: criteria provided, single submitter. Criteria: Ambry Variant Classification Scheme 2023. Collection method: clinical testing. Allele origin: germline.